The following is an entry in ClinVar:

NM_006231.4(POLE):c.202C>A (p.Pro68Thr)

Gene: POLE (DNA polymerase epsilon, catalytic subunit; minus strand). Cytogenetic location: 12q24.33.
Variant type: single nucleotide variant.
Coding change: c.202C>A on transcript NM_006231.4 (MANE Select); coding-DNA position 202, C replaced by A.
Protein change: p.Pro68Thr; replaces proline 68 with threonine.
Molecular consequence: missense variant.
Genome position (GRCh38, 1-based): chr12:132,681,140, G>T on the plus strand (C>A on the coding strand, the complement: POLE is on the minus strand). VCF-style: chr12-132681140-G-T. GRCh37 (hg19) VCF-style: chr12-133257726-G-T.
Other names: short protein forms P68T.
Identifiers: ClinVar variation 473503 (VCV000473503.12), dbSNP rs1408600144, ClinGen allele CA387369598.

ClinVar aggregate classification (germline): Uncertain significance. Review status: criteria provided, multiple submitters, no conflicts (2 of 4 stars). 2 submissions from 2 submitters: Uncertain significance (2). Last evaluated 2025-12-09.

Conditions:
Hereditary cancer-predisposing syndrome. Also called: Neoplastic Syndromes, Hereditary; Tumor predisposition; Hereditary Cancer Syndrome; Hereditary neoplastic syndrome. Identifiers: Orphanet 140162, MedGen C0027672, MeSH D009386, MONDO:0015356.

Allele frequency attached by ClinVar (database versions not stated): gnomAD exomes below 0.00001.
gnomAD v4.1: 11 of 1,613,978 alleles (0.00068%); highest among the groups gnomAD compares: Admixed American, 0.0017%; no homozygotes.

Submissions (2):

Labcorp Genetics (formerly Invitae), Labcorp
Classification: Uncertain significance. Last evaluated: 2025-12-09. Review status: criteria provided, single submitter. Criteria: Invitae Variant Classification Sherloc (09022015). Collection method: clinical testing. Allele origin: germline.
Comment: This sequence change replaces proline, which is neutral and non-polar, with threonine, which is neutral and polar, at codon 68 of the POLE protein (p.Pro68Thr). This variant is present in population databases (no rsID available, gnomAD 0.003%). This variant has not been reported in the literature in individuals affected with POLE-related conditions. ClinVar contains an entry for this variant (Variation ID: 473503). An algorithm developed to predict the effect of missense changes on protein structure and function (PolyPhen-2) suggests that this variant is likely to be tolerated. In summary, the available evidence is currently insufficient to determine the role of this variant in disease. Therefore, it has been classified as a Variant of Uncertain Significance.

Ambry Genetics
Classification: Uncertain significance for Hereditary cancer-predisposing syndrome. Last evaluated: 2025-01-08. Review status: criteria provided, single submitter. Criteria: Ambry Variant Classification Scheme 2023. Collection method: clinical testing. Allele origin: germline.
Comment: The p.P68T variant (also known as c.202C>A), located in coding exon 2 of the POLE gene, results from a C to A substitution at nucleotide position 202. The proline at codon 68 is replaced by threonine, an amino acid with highly similar properties. This amino acid position is conserved. In addition, the in silico prediction for this alteration is inconclusive. Based on the available evidence, the clinical significance of this variant remains unclear.